The following is an entry in ClinVar:

ClinVar aggregate classification (germline): Uncertain significance (1 of 4 stars; one submission).

Submission:

Labcorp Genetics (formerly Invitae), Labcorp
Classification: Uncertain significance. Last evaluated: 2023-08-18. Review status: criteria provided, single submitter. Criteria: Invitae Variant Classification Sherloc (09022015). Collection method: clinical testing. Allele origin: germline.
Comment: This sequence change replaces phenylalanine, which is neutral and non-polar, with leucine, which is neutral and non-polar, at codon 524 of the TNNI3K protein (p.Phe524Leu). This variant is not present in population databases (gnomAD no frequency). This variant has not been reported in the literature in individuals affected with TNNI3K-related conditions. Advanced modeling of protein sequence and biophysical properties (such as structural, functional, and spatial information, amino acid conservation, physicochemical variation, residue mobility, and thermodynamic stability) performed at Invitae indicates that this missense variant is not expected to disrupt TNNI3K protein function. In summary, the available evidence is currently insufficient to determine the role of this variant in disease. Therefore, it has been classified as a Variant of Uncertain Significance.

NM_015978.3(TNNI3K):c.1572T>A (p.Phe524Leu)

Genes: FPGT-TNNI3K (FPGT-TNNI3K readthrough; plus strand), TNNI3K (TNNI3 interacting kinase; plus strand). Cytogenetic location: 1p31.1.
Variant type: single nucleotide variant.
Coding change: c.1572T>A on transcript NM_015978.3 (MANE Select); coding-DNA position 1572, T replaced by A.
Protein change: p.Phe524Leu; replaces phenylalanine 524 with leucine.
Molecular consequence: missense variant.
Genome position (GRCh38, 1-based): chr1:74,369,490, T>A. VCF-style: chr1-74369490-T-A. GRCh37 (hg19) VCF-style: chr1-74835174-T-A.
Other names: c.1875T>A, p.Phe625Leu (NM_001112808.3, NM_001199327.2); short protein forms F524L, F625L.
Identifiers: ClinVar variation 2753892 (VCV002753892.3), dbSNP rs2524471008, ClinGen allele CA340786265.
Genomic context (GRCh38, chr1:74,369,490, plus strand): 5'-TATGTTTTGCCGAGAGGTGTCCATTCTCTGCCAGCTCAATCATCCCTGCGTAATTCAGTT[T>A]GTGGGTGCTTGCTTGAATGATCCCAGCCAGTTTGCCATTGTCACTCAATACATATCAGGG-3'
Protein context (NP_057062.1, residues 514-534): CQLNHPCVIQ[Phe524Leu]VGACLNDPSQ